The following is an entry in ClinVar:

ClinVar aggregate classification (germline): Likely benign (1 of 4 stars; one submission).

Allele frequency attached by ClinVar (database versions not stated): gnomAD exomes below 0.00001.
gnomAD v4.1: 4 of 1,211,601 alleles (0.00033%); highest among the groups gnomAD compares: South Asian, 0.0035%; no homozygotes.

Submission:

CeGaT Center for Human Genetics Tuebingen
Classification: Likely benign. Last evaluated: 2023-03-01. Review status: criteria provided, single submitter. Criteria: CeGaT Center For Human Genetics Tuebingen Variant Classification Criteria Version 2. Collection method: clinical testing. Allele origin: germline. Affected: yes. Observed: 1 variant allele.
Comment: MAGEC2: PM2:Supporting, BP4, BP7

NM_016249.4(MAGEC2):c.738G>A (p.Glu246=)

Gene: MAGEC2 (MAGE family member C2; minus strand). Cytogenetic location: Xq27.2.
Variant type: single nucleotide variant.
Coding change: c.738G>A on transcript NM_016249.4 (MANE Select); coding-DNA position 738, G replaced by A.
Protein change: p.Glu246=; no amino-acid change (glutamic acid 246 retained).
Molecular consequence: synonymous variant.
Genome position (GRCh38, 1-based): chrX:142,203,250, C>T on the plus strand (G>A on the coding strand, the complement: MAGEC2 is on the minus strand). VCF-style: chrX-142203250-C-T. GRCh37 (hg19) VCF-style: chrX-141291036-C-T.
Identifiers: ClinVar variation 2661574 (VCV002661574.24), dbSNP rs2522011124, ClinGen allele CA519169334.
Genomic context (GRCh38, chrX:142,203,250, plus strand): 5'-GACGAAGTGCTCCCTCCCAGCATATACCCCTACTGCATTCAGCACTTCCCAGATGACCTC[C>T]TCAGAGGCACAGTTGCCCTTTATGAAGATCACACTCAGAATAATAATCAGGAGGCTGTTC-3'
Protein context (NP_057333.1, residues 236-256): VIFIKGNCAS[Glu246=]EVIWEVLNAV